The following is an entry in ClinVar:

NM_175875.5(SIX5):c.1391C>G (p.Thr464Arg)

Gene: SIX5 (SIX homeobox 5; minus strand). Cytogenetic location: 19q13.32.
Variant type: single nucleotide variant.
Coding change: c.1391C>G on transcript NM_175875.5 (MANE Select); coding-DNA position 1391, C replaced by G.
Protein change: p.Thr464Arg; replaces threonine 464 with arginine.
Molecular consequence: missense variant.
Genome position (GRCh38, 1-based): chr19:45,766,568, G>C on the plus strand (C>G on the coding strand, the complement: SIX5 is on the minus strand). VCF-style: chr19-45766568-G-C. GRCh37 (hg19) VCF-style: chr19-46269826-G-C.
Other names: c.1391C>G (NM_175875.4); short protein forms T464R.
Identifiers: ClinVar variation 3618612 (VCV003618612.3).

ClinVar aggregate classification (germline): Conflicting classifications of pathogenicity. Review status: criteria provided, conflicting classifications (1 of 4 stars). 2 submissions from 2 submitters: Uncertain significance (1); Likely benign (1). Last evaluated 2025-11-19.

gnomAD v4.1: 8 of 1,475,286 alleles (0.00054%); highest among the groups gnomAD compares: Admixed American, 0.0071%; no homozygotes.

Submissions (2):

Ambry Genetics
Classification: Likely benign. Last evaluated: 2025-11-19. Review status: criteria provided, single submitter. Criteria: Ambry Variant Classification Scheme 2023. Collection method: clinical testing. Allele origin: germline.

Labcorp Genetics (formerly Invitae), Labcorp
Classification: Uncertain significance. Last evaluated: 2024-09-18. Review status: criteria provided, single submitter. Criteria: Invitae Variant Classification Sherloc (09022015). Collection method: clinical testing. Allele origin: germline.
Comment: This sequence change replaces threonine, which is neutral and polar, with arginine, which is basic and polar, at codon 464 of the SIX5 protein (p.Thr464Arg). This variant is present in population databases (rs530336683, gnomAD 0.01%). This variant has not been reported in the literature in individuals affected with SIX5-related conditions. Invitae Evidence Modeling of protein sequence and biophysical properties (such as structural, functional, and spatial information, amino acid conservation, physicochemical variation, residue mobility, and thermodynamic stability) indicates that this missense variant is not expected to disrupt SIX5 protein function with a negative predictive value of 80%. In summary, the available evidence is currently insufficient to determine the role of this variant in disease. Therefore, it has been classified as a Variant of Uncertain Significance.